The following is an entry in ClinVar:

ClinVar aggregate classification (germline): Uncertain significance. Review status: criteria provided, single submitter (1 of 4 stars). 2 submissions from 2 submitters: Uncertain significance (1). 1 of the submissions does not count toward it. Last evaluated 2023-08-04.

Conditions:
Fumarase deficiency (FMRD). Also called: Fumaric aciduria; Fumarate Hydratase Deficiency. Identifiers: Orphanet 24, MedGen C0342770, MONDO:0011730, OMIM 606812.

Submissions (2):

Labcorp Genetics (formerly Invitae), Labcorp
Classification: Uncertain significance. Last evaluated: 2023-08-04. Review status: criteria provided, single submitter. Criteria: Invitae Variant Classification Sherloc (09022015). Collection method: clinical testing. Allele origin: germline.
Comment: In summary, the available evidence is currently insufficient to determine the role of this variant in disease. Therefore, it has been classified as a Variant of Uncertain Significance. Advanced modeling of protein sequence and biophysical properties (such as structural, functional, and spatial information, amino acid conservation, physicochemical variation, residue mobility, and thermodynamic stability) performed at Invitae indicates that this missense variant is not expected to disrupt FH protein function. ClinVar contains an entry for this variant (Variation ID: 1018015). This variant has not been reported in the literature in individuals affected with FH-related conditions. This variant is not present in population databases (gnomAD no frequency). This sequence change replaces alanine, which is neutral and non-polar, with valine, which is neutral and non-polar, at codon 200 of the FH protein (p.Ala200Val).

Natera, Inc.
Classification: Uncertain significance for Fumarase Deficiency. Last evaluated: 2020-08-31. Review status: no assertion criteria provided. Collection method: clinical testing. Allele origin: germline. Not counted in ClinVar's aggregate classification.

NM_000143.4(FH):c.599C>T (p.Ala200Val)

Gene: FH (fumarate hydratase; minus strand). Cytogenetic location: 1q43.
Variant type: single nucleotide variant.
Coding change: c.599C>T on transcript NM_000143.4 (MANE Select); coding-DNA position 599, C replaced by T.
Protein change: p.Ala200Val; replaces alanine 200 with valine.
Molecular consequence: missense variant.
Genome position (GRCh38, 1-based): chr1:241,508,742, G>A on the plus strand (C>T on the coding strand, the complement: FH is on the minus strand). VCF-style: chr1-241508742-G-A. GRCh37 (hg19) VCF-style: chr1-241672042-G-A.
Other names: short protein forms A200V.
Identifiers: ClinVar variation 1018015 (VCV001018015.12), dbSNP rs1659997677, ClinGen allele CA345439421.
Genomic context (GRCh38, chr1:241,508,742, plus strand): 5'-GCATCAAGAGCATCATGTAACTTCTGTAGTCCTGGTAACAGTACTTCATGAACTTCTATT[G>A]CAGCAGCAATGTGCATTGCTGTGGGAAAAGTATCATTTGAGCTCTGTTGGAAATTTTTCA-3'
Protein context (NP_000134.2, residues 190-210): TFPTAMHIAA[Ala200Val]IEVHEVLLPG